The following is an entry in ClinVar:

NM_018723.4(RBFOX1):c.718A>C (p.Met240Leu)

Gene: RBFOX1 (RNA binding fox-1 homolog 1; plus strand). Cytogenetic location: 16p13.3.
Variant type: single nucleotide variant.
Coding change: c.718A>C on transcript NM_018723.4 (MANE Select); coding-DNA position 718, A replaced by C.
Protein change: p.Met240Leu; replaces methionine 240 with leucine.
Molecular consequence: missense variant. On other transcripts: intron variant (13).
Genome position (GRCh38, 1-based): chr16:7,630,644, A>C. VCF-style: chr16-7630644-A-C. GRCh37 (hg19) VCF-style: chr16-7680646-A-C.
Other names: c.778A>C, p.Met260Leu (NM_145892.3, NM_145893.3, NM_001415896.1 and 2 more transcripts); c.1274-23171A>C (NM_001415888.1); c.677-23171A>C (NM_001142333.2); c.806-23171A>C (NM_001415907.1, NM_001415897.1); c.713-23171A>C (NM_001415914.1); c.785-23171A>C (NM_001415909.1, NM_001415900.1); c.692-23171A>C (NM_001415912.1); c.752-23171A>C (NM_001415913.1, NM_001415903.1); and 12 more; short protein forms M242L, M252L, M265L, M439L, M209L, M260L, M276L, M283L.
Identifiers: ClinVar variation 3647558 (VCV003647558.2).

ClinVar aggregate classification (germline): Uncertain significance (1 of 4 stars; one submission).

Conditions:
Idiopathic generalized epilepsy. Also called: EIG; Generalised epilepsy. Identifiers: MedGen C0270850, MONDO:0005579, OMIM 600669.

gnomAD v4.1: 81 of 1,614,008 alleles (0.005%); highest among the groups gnomAD compares: Non-Finnish European, 0.0066%; no homozygotes.

Submission:

Labcorp Genetics (formerly Invitae), Labcorp
Classification: Uncertain significance for Idiopathic generalized epilepsy. Last evaluated: 2025-01-02. Review status: criteria provided, single submitter. Criteria: Invitae Variant Classification Sherloc (09022015). Collection method: clinical testing. Allele origin: germline.
Comment: This sequence change replaces methionine, which is neutral and non-polar, with leucine, which is neutral and non-polar, at codon 260 of the RBFOX1 protein (p.Met260Leu). This variant is present in population databases (rs368304119, gnomAD 0.006%). This variant has not been reported in the literature in individuals affected with RBFOX1-related conditions. Invitae Evidence Modeling of protein sequence and biophysical properties (such as structural, functional, and spatial information, amino acid conservation, physicochemical variation, residue mobility, and thermodynamic stability) indicates that this missense variant is not expected to disrupt RBFOX1 protein function with a negative predictive value of 80%. In summary, the available evidence is currently insufficient to determine the role of this variant in disease. Therefore, it has been classified as a Variant of Uncertain Significance.